The following is an entry in ClinVar:

ClinVar aggregate classification (germline): Benign (1 of 4 stars; one submission).

Allele frequency attached by ClinVar (database versions not stated): 1000 Genomes Project 0.49720; TOPMed 0.56260; gnomAD 0.56607 and 0.56951; 1000 Genomes Project 30x 0.50187.
gnomAD v4.1: 267,733 of 499,484 alleles (54%); highest among the groups gnomAD compares: Admixed American, 62%; 73,921 homozygotes.

Submissions (2):

GeneDx
Classification: Benign. Last evaluated: 2018-06-14. Review status: criteria provided, single submitter. Criteria: GeneDx Variant Classification (06012015). Collection method: clinical testing. Allele origin: germline. Affected: yes.
Comment: This variant is considered likely benign or benign based on one or more of the following criteria: it is a conservative change, it occurs at a poorly conserved position in the protein, it is predicted to be benign by multiple in silico algorithms, and/or has population frequency not consistent with disease.

Dr. Peter K. Rogan Lab, Western University
No classification provided (evidence only). Condition: Malignant lymphoma, large B-cell, diffuse. Review status: no classification provided. Collection method: in vitro. Allele origin: not applicable. Functional consequence: retained intron. Not counted in ClinVar's aggregate classification.

NM_006073.4(TRDN):c.484+113C>G

Gene: TRDN (triadin; minus strand). Cytogenetic location: 6q22.31.
Variant type: single nucleotide variant.
Coding change: c.484+113C>G on transcript NM_006073.4 (MANE Select); 113 bases into the intron after coding-DNA position 484, C replaced by G.
Molecular consequence: intron variant.
Genome position (GRCh38, 1-based): chr6:123,530,393, G>C on the plus strand (C>G on the coding strand, the complement: TRDN is on the minus strand). VCF-style: chr6-123530393-G-C. GRCh37 (hg19) VCF-style: chr6-123851538-G-C.
Other names: NC_000006.11:g.123851538G>C; c.484+113C>G (NM_001251987.2, NM_001256020.2, NM_001256021.2 and 1 more transcripts).
Identifiers: ClinVar variation 674817 (VCV000674817.2), dbSNP rs12196787, ClinGen allele CA147293438.
Genomic context (GRCh38, chr6:123,530,393, plus strand): 5'-TTTATAACTGAAATTAACTGATATACATTTATAACTGAAATTAACTGAGGAGTAAATTTA[G>C]TTATTTAATATCAAAAATGTTACAAAAACACTAAACATGAAATTTTTTCTCGCATATGAA-3'